The following is an entry in ClinVar:

ClinVar aggregate classification (germline): Uncertain significance (1 of 4 stars; one submission).

Conditions:
Inborn genetic diseases. Identifiers: MedGen C0950123, MeSH D030342.

gnomAD v4.1: 1 of 1,613,870 alleles (0.000062%); highest among the groups gnomAD compares: Non-Finnish European, 0.000085%; no homozygotes.

Submission:

Ambry Genetics
Classification: Uncertain significance for Inborn genetic diseases. Last evaluated: 2025-10-05. Review status: criteria provided, single submitter. Criteria: Ambry Variant Classification Scheme 2023. Collection method: clinical testing. Allele origin: germline.
Comment: The p.H388R variant (also known as c.1163A>G), located in coding exon 9 of the DNMT3A gene, results from an A to G substitution at nucleotide position 1163. The histidine at codon 388 is replaced by arginine, an amino acid with highly similar properties. This amino acid position is conserved. In addition, this alteration is predicted to be tolerated by in silico analysis. Based on the available evidence, the clinical significance of this variant remains unclear.

NM_022552.5(DNMT3A):c.1163A>G (p.His388Arg)

Gene: DNMT3A (DNA methyltransferase 3 alpha; minus strand). Cytogenetic location: 2p23.3.
Variant type: single nucleotide variant.
Coding change: c.1163A>G on transcript NM_022552.5 (MANE Select); coding-DNA position 1163, A replaced by G.
Protein change: p.His388Arg; replaces histidine 388 with arginine.
Molecular consequence: missense variant. On other transcripts: non-coding transcript variant (1).
Genome position (GRCh38, 1-based): chr2:25,246,736, T>C on the plus strand (A>G on the coding strand, the complement: DNMT3A is on the minus strand). VCF-style: chr2-25246736-T-C. GRCh37 (hg19) VCF-style: chr2-25469605-T-C.
Other names: c.707A>G, p.His236Arg (NM_001320893.1); c.494A>G, p.His165Arg (NM_001375819.1); c.596A>G, p.His199Arg (NM_153759.3); c.1163A>G, p.His388Arg (NM_175629.2); short protein forms H388R, H236R, H165R, H199R.
Identifiers: ClinVar variation 4617750 (VCV004617750.1).
Genomic context (GRCh38, chr2:25,246,736, plus strand): 5'-TCAATCATGGGCTTGTTCTGCACCTCCACGGCCTTGGCAGTGTCACTCTCATCGCTGTCG[T>C]GGCACACCGGGAACAGCTTCCCCGCGCGGCTGCTGGCCACCTGGAGGGTGACACGCCAGG-3'
Protein context (NP_072046.2, residues 378-398): SRAGKLFPVC[His388Arg]DSDESDTAKA